The following is an entry in ClinVar:

NM_001211.6(BUB1B):c.907G>A (p.Ala303Thr)

Gene: BUB1B (BUB1 mitotic checkpoint serine/threonine kinase B; plus strand). Cytogenetic location: 15q15.1.
Variant type: single nucleotide variant.
Coding change: c.907G>A on transcript NM_001211.6 (MANE Select); coding-DNA position 907, G replaced by A.
Protein change: p.Ala303Thr; replaces alanine 303 with threonine.
Molecular consequence: missense variant.
Genome position (GRCh38, 1-based): chr15:40,185,320, G>A. VCF-style: chr15-40185320-G-A. GRCh37 (hg19) VCF-style: chr15-40477521-G-A.
Other names: short protein forms A303T.
Identifiers: ClinVar variation 565559 (VCV000565559.14), dbSNP rs746825915, ClinGen allele CA7475594.

ClinVar aggregate classification (germline): Uncertain significance. Review status: criteria provided, multiple submitters, no conflicts (2 of 4 stars). 2 submissions from 2 submitters: Uncertain significance (2). Last evaluated 2022-03-29.

Conditions:
Mosaic variegated aneuploidy syndrome 1 (MVA1). Also called: Warburton-Anyane-Yeboa syndrome. Identifiers: Orphanet 1052, MedGen C1850343, MONDO:0009759, OMIM 257300.
Inborn genetic diseases. Identifiers: MedGen C0950123, MeSH D030342.

Allele frequency attached by ClinVar (database versions not stated): gnomAD 0.00005 and 0.00006; gnomAD exomes 0.00006; ExAC 0.00008; TOPMed 0.00010.

Submissions (2):

Ambry Genetics
Classification: Uncertain significance for Inborn genetic diseases. Last evaluated: 2022-03-29. Review status: criteria provided, single submitter. Criteria: Ambry Variant Classification Scheme 2023. Collection method: clinical testing. Allele origin: germline.
Comment: The p.A303T variant (also known as c.907G>A), located in coding exon 7 of the BUB1B gene, results from a G to A substitution at nucleotide position 907. The alanine at codon 303 is replaced by threonine, an amino acid with similar properties. This amino acid position is conserved. In addition, this alteration is predicted to be tolerated by in silico analysis. Since supporting evidence is limited at this time, the clinical significance of this alteration remains unclear.

Labcorp Genetics (formerly Invitae), Labcorp
Classification: Uncertain significance for Mosaic variegated aneuploidy syndrome 1. Last evaluated: 2019-06-07. Review status: criteria provided, single submitter. Criteria: Invitae Variant Classification Sherloc (09022015). Collection method: clinical testing. Allele origin: germline.
Comment: In summary, the available evidence is currently insufficient to determine the role of this variant in disease. Therefore, it has been classified as a Variant of Uncertain Significance. Algorithms developed to predict the effect of missense changes on protein structure and function do not agree on the potential impact of this missense change (SIFT: "Tolerated"; PolyPhen-2: "Possibly Damaging"; Align-GVGD: "Class C0"). This variant has not been reported in the literature in individuals with BUB1B-related disease. ClinVar contains an entry for this variant (Variation ID: 565559). This variant is present in population databases (rs746825915, ExAC 0.06%). This sequence change replaces alanine with threonine at codon 303 of the BUB1B protein (p.Ala303Thr). The alanine residue is weakly conserved and there is a small physicochemical difference between alanine and threonine.